The following is an entry in ClinVar:

NM_004369.4(COL6A3):c.4817A>T (p.Glu1606Val)

Gene: COL6A3 (collagen type VI alpha 3 chain; minus strand). Cytogenetic location: 2q37.3.
Variant type: single nucleotide variant.
Coding change: c.4817A>T on transcript NM_004369.4 (MANE Select); coding-DNA position 4817, A replaced by T.
Protein change: p.Glu1606Val; replaces glutamic acid 1606 with valine.
Molecular consequence: missense variant.
Genome position (GRCh38, 1-based): chr2:237,368,646, T>A on the plus strand (A>T on the coding strand, the complement: COL6A3 is on the minus strand). VCF-style: chr2-237368646-T-A. GRCh37 (hg19) VCF-style: chr2-238277289-T-A.
Other names: c.2996A>T, p.Glu999Val (NM_057166.5); c.4199A>T, p.Glu1400Val (NM_057167.4); short protein forms E1400V, E1606V, E999V.
Identifiers: ClinVar variation 651461 (VCV000651461.9), dbSNP rs1064796167, ClinGen allele CA351190892.
Genomic context (GRCh38, chr2:237,368,646, plus strand): 5'-TCCACCCCTGGAGGTGCAGGAGTGGCTGCGGAGGGTCCAAACGAGTTCATGATTCTTTCT[T>A]CTATGTTGGGAAGCTCTCTGAACTCTCGCACTGTGAAGACCAGTCTGGGGTCATTGGTGA-3'
Protein context (NP_004360.2, residues 1596-1616): VREFRELPNI[Glu1606Val]ERIMNSFGPS

ClinVar aggregate classification (germline): Uncertain significance (1 of 4 stars; one submission).

Conditions:
Bethlem myopathy 1A. Also called: Bethlem Muscular Dystrophy; Bethlem myopathy 1; MYOPATHY, BENIGN CONGENITAL, WITH CONTRACTURES. Identifiers: Orphanet 610, MedGen CN029274, MONDO:0024530, OMIM 158810.

Submission:

Labcorp Genetics (formerly Invitae), Labcorp
Classification: Uncertain significance for Bethlem myopathy 1A. Last evaluated: 2024-03-04. Review status: criteria provided, single submitter. Criteria: Invitae Variant Classification Sherloc (09022015). Collection method: clinical testing. Allele origin: germline.
Comment: This sequence change replaces glutamic acid, which is acidic and polar, with valine, which is neutral and non-polar, at codon 1606 of the COL6A3 protein (p.Glu1606Val). This variant is not present in population databases (gnomAD no frequency). This variant has not been reported in the literature in individuals affected with COL6A3-related conditions. ClinVar contains an entry for this variant (Variation ID: 651461). Advanced modeling of protein sequence and biophysical properties (such as structural, functional, and spatial information, amino acid conservation, physicochemical variation, residue mobility, and thermodynamic stability) has been performed at Invitae for this missense variant, however the output from this modeling did not meet the statistical confidence thresholds required to predict the impact of this variant on COL6A3 protein function. In summary, the available evidence is currently insufficient to determine the role of this variant in disease. Therefore, it has been classified as a Variant of Uncertain Significance.